The following is an entry in ClinVar:

ClinVar aggregate classification (germline): Uncertain significance (1 of 4 stars; one submission).

Conditions:
Cerebral creatine deficiency syndrome. Also called: Creatine deficiency syndromes. Identifiers: Orphanet 79172, MedGen C5244016, MONDO:0000456.

Allele frequency attached by ClinVar (database versions not stated): gnomAD exomes below 0.00001.
gnomAD v4.1: 3 of 1,604,900 alleles (0.00019%); highest among the groups gnomAD compares: Non-Finnish European, 0.00025%; no homozygotes.

Submission:

Labcorp Genetics (formerly Invitae), Labcorp
Classification: Uncertain significance for Cerebral creatine deficiency syndrome. Last evaluated: 2025-01-20. Review status: criteria provided, single submitter. Criteria: Invitae Variant Classification Sherloc (09022015). Collection method: clinical testing. Allele origin: germline.
Comment: This sequence change replaces aspartic acid, which is acidic and polar, with histidine, which is basic and polar, at codon 84 of the GAMT protein (p.Asp84His). The frequency data for this variant in the population databases is considered unreliable, as metrics indicate poor data quality at this position in the gnomAD database. This variant has not been reported in the literature in individuals affected with GAMT-related conditions. ClinVar contains an entry for this variant (Variation ID: 1001612). Invitae Evidence Modeling of protein sequence and biophysical properties (such as structural, functional, and spatial information, amino acid conservation, physicochemical variation, residue mobility, and thermodynamic stability) indicates that this missense variant is not expected to disrupt GAMT protein function with a negative predictive value of 95%. In summary, the available evidence is currently insufficient to determine the role of this variant in disease. Therefore, it has been classified as a Variant of Uncertain Significance.

NM_000156.6(GAMT):c.250G>C (p.Asp84His)

Gene: GAMT (guanidinoacetate N-methyltransferase; minus strand). Cytogenetic location: 19p13.3.
Variant type: single nucleotide variant.
Coding change: c.250G>C on transcript NM_000156.6 (MANE Select); coding-DNA position 250, G replaced by C.
Protein change: p.Asp84His; replaces aspartic acid 84 with histidine.
Molecular consequence: missense variant.
Genome position (GRCh38, 1-based): chr19:1,399,870, C>G on the plus strand (G>C on the coding strand, the complement: GAMT is on the minus strand). VCF-style: chr19-1399870-C-G. GRCh37 (hg19) VCF-style: chr19-1399869-C-G.
Other names: c.250G>C, p.Asp84His (NM_138924.3); short protein forms D84H.
Identifiers: ClinVar variation 1001612 (VCV001001612.8), dbSNP rs762438523, ClinGen allele CA9043757.